The following is an entry in ClinVar:

ClinVar aggregate classification (germline): Pathogenic/Likely pathogenic. Review status: criteria provided, multiple submitters, no conflicts (2 of 4 stars). 3 submissions from 3 submitters: Pathogenic (2); Likely pathogenic (1). Last evaluated 2025-03-13.

Conditions:
Hereditary cancer-predisposing syndrome. Also called: Neoplastic Syndromes, Hereditary; Tumor predisposition; Hereditary Cancer Syndrome; Hereditary neoplastic syndrome. Identifiers: Orphanet 140162, MedGen C0027672, MeSH D009386, MONDO:0015356.
Lynch syndrome 5 (LYNCH5). Also called: Colorectal cancer, hereditary nonpolyposis, type 5; Hereditary non-polyposis colorectal cancer, type 5. Identifiers: Orphanet 144, MedGen C1833477, MONDO:0013710, OMIM 614350. Disease mechanism: loss of function.

Submissions (3):

Quest Diagnostics Nichols Institute San Juan Capistrano
Classification: Likely pathogenic. Last evaluated: 2025-03-13. Review status: criteria provided, single submitter. Criteria: Quest Diagnostics criteria. Collection method: clinical testing. Allele origin: unknown.
Comment: The MSH6 c.3862_3864delinsTACG (p.Lys1288Tyrfs*4) variant alters the translational reading frame of the MSH6 mRNA and is predicted to cause the premature termination of MSH6 protein synthesis. This variant has not been reported in individuals with MSH6-related conditions in the published literature. This variant has not been reported in large, multi-ethnic general populations (Genome Aggregation Database). Based on the available information, this variant is classified as likely pathogenic.

Myriad Genetics, Inc.
Classification: Pathogenic for Lynch syndrome 5. Last evaluated: 2023-08-28. Review status: criteria provided, single submitter. Criteria: Myriad Autosomal Dominant, Autosomal Recessive and X-Linked Classification Criteria (2023). Collection method: clinical testing. Allele origin: unknown.
Comment: This variant is considered pathogenic. This variant creates a frameshift predicted to result in premature protein truncation.

Ambry Genetics
Classification: Pathogenic for Hereditary cancer-predisposing syndrome. Last evaluated: 2023-06-06. Review status: criteria provided, single submitter. Criteria: Ambry Variant Classification Scheme 2023. Collection method: clinical testing. Allele origin: germline.
Comment: The c.3862_3864delAAAinsTACG pathogenic mutation, located in coding exon 9 of the MSH6 gene, results from the deletion of 3 nucleotides and insertion of 4 nucleotides causing a translational frameshift with a predicted alternate stop codon (p.K1288Yfs*4). This variant is considered to be rare based on population cohorts in the Genome Aggregation Database (gnomAD). This alteration is expected to result in loss of function by premature protein truncation or nonsense-mediated mRNA decay. As such, this alteration is interpreted as a disease-causing mutation.

NM_000179.3(MSH6):c.3862_3864delinsTACG (p.Lys1288fs)

Gene: MSH6 (mutS homolog 6; plus strand). Cytogenetic location: 2p16.3.
Variant type: Indel.
Coding change: c.3862_3864delinsTACG on transcript NM_000179.3 (MANE Select); coding-DNA positions 3862 to 3864, AAA replaced by TACG.
Protein change: p.Lys1288fs; shifts the reading frame from lysine 1288.
Molecular consequence: frameshift variant.
Genome position (GRCh38, 1-based): chr2:47,806,512-47,806,514, AAA replaced by TACG. VCF-style: chr2-47806512-AAA-TACG. GRCh37 (hg19) VCF-style: chr2-48033651-AAA-TACG.
Other names: c.3862_3864delAAAinsTACG, p.Lys1288Tyrfs (NM_000179.2, NM_001406796.1, NM_001406808.1 and 1 more transcripts); c.3472_3474delinsTACG, p.Lys1158fs (NM_001281492.2); c.2956_2958delinsTACG, p.Lys986fs (NM_001281493.2, NM_001281494.2); c.3958_3960delAAAinsTACG, p.Lys1320Tyrfs (NM_001406795.1); c.3565_3567delAAAinsTACG, p.Lys1189Tyrfs (NM_001406797.1, NM_001406801.1, NM_001406805.1 and 10 more transcripts); c.3688_3690delAAAinsTACG, p.Lys1230Tyrfs (NM_001406798.1); c.3337_3339delAAAinsTACG, p.Lys1113Tyrfs (NM_001406799.1, NM_001406806.1, NM_001406807.1); c.3849_3851delAAAinsTACG, p.Asn1284Thrfs (NM_001406800.1); and 10 more; short protein forms K1288fs, K986fs, K1158fs.
Identifiers: ClinVar variation 1735619 (VCV001735619.6), dbSNP rs878853739, ClinGen allele CA2580067412.